The following is an entry in ClinVar:

ClinVar aggregate classification (germline): Uncertain significance (1 of 4 stars; one submission).

Conditions:
Immunodeficiency 51 (IMD51). Also called: CANDIDIASIS, FAMILIAL, 5. Identifiers: Orphanet 1334, MedGen C4310803, MONDO:0013500, OMIM 613953.

Allele frequency attached by ClinVar (database versions not stated): gnomAD exomes below 0.00001 and 0.00001; TOPMed below 0.00001; gnomAD 0.00001.

Submission:

Labcorp Genetics (formerly Invitae), Labcorp
Classification: Uncertain significance for Immunodeficiency 51. Last evaluated: 2021-10-12. Review status: criteria provided, single submitter. Criteria: Invitae Variant Classification Sherloc (09022015). Collection method: clinical testing. Allele origin: germline.
Comment: This sequence change replaces leucine with proline at codon 332 of the IL17RA protein (p.Leu332Pro). The leucine residue is highly conserved and there is a moderate physicochemical difference between leucine and proline. In summary, the available evidence is currently insufficient to determine the role of this variant in disease. Therefore, it has been classified as a Variant of Uncertain Significance. Algorithms developed to predict the effect of missense changes on protein structure and function are either unavailable or do not agree on the potential impact of this missense change (SIFT: "Deleterious"; PolyPhen-2: "Probably Damaging"; Align-GVGD: "Class C0"). This variant has not been reported in the literature in individuals affected with IL17RA-related conditions. This variant is not present in population databases (ExAC no frequency).

NM_014339.7(IL17RA):c.995T>C (p.Leu332Pro)

Genes: IL17RA (interleukin 17 receptor A; plus strand), LOC129391259 (MPRA-validated peak4440 silencer; plus strand). Cytogenetic location: 22q11.1.
Variant type: single nucleotide variant.
Coding change: c.995T>C on transcript NM_014339.7 (MANE Select); coding-DNA position 995, T replaced by C.
Protein change: p.Leu332Pro; replaces leucine 332 with proline.
Molecular consequence: missense variant. On other transcripts: intron variant (1).
Genome position (GRCh38, 1-based): chr22:17,105,904, T>C. VCF-style: chr22-17105904-T-C. GRCh37 (hg19) VCF-style: chr22-17586794-T-C.
Other names: c.943+302T>C (NM_001289905.2); short protein forms L332P.
Identifiers: ClinVar variation 1386233 (VCV001386233.6), dbSNP rs1414561554, ClinGen allele CA410214856.